The following is an entry in ClinVar:

ClinVar aggregate classification (germline): Conflicting classifications of pathogenicity. Review status: criteria provided, conflicting classifications (1 of 4 stars). 4 submissions from 4 submitters: Uncertain significance (1); Likely benign (2). 1 of the submissions does not count toward it. Last evaluated 2026-01-29.

Conditions:
ELP1-related disorder. Also called: ELP1-related condition.
Familial dysautonomia. Also called: HSAN III; FD. Identifiers: Orphanet 1764, MedGen C0013364, MONDO:0009131, OMIM 223900. Disease mechanism: loss of function.

Allele frequency attached by ClinVar (database versions not stated): gnomAD 0.00008 and 0.00009; TOPMed 0.00014; ExAC 0.00019; gnomAD exomes 0.00028.
gnomAD v4.1: 91 of 1,613,922 alleles (0.0056%); highest among the groups gnomAD compares: Admixed American, 0.15%; no homozygotes.

Submissions (4):

Labcorp Genetics (formerly Invitae), Labcorp
Classification: Likely benign. Last evaluated: 2026-01-29. Review status: criteria provided, single submitter. Criteria: Invitae Variant Classification Sherloc (09022015). Collection method: clinical testing. Allele origin: germline.

PreventionGenetics, part of Exact Sciences
Classification: Likely benign for ELP1-related condition. Last evaluated: 2025-12-31. Review status: criteria provided, single submitter. Criteria: ACMG Guidelines, 2015. Collection method: clinical testing. Allele origin: germline.
Comment: This variant is classified as likely benign based on ACMG/AMP sequence variant interpretation guidelines (Richards et al. 2015 PMID: 25741868, with internal and published modifications).

Ambry Genetics
Classification: Uncertain significance. Last evaluated: 2023-09-06. Review status: criteria provided, single submitter. Criteria: Ambry Variant Classification Scheme 2023. Collection method: clinical testing. Allele origin: germline.
Comment: The p.V347L variant (also known as c.1039G>T), located in coding exon 10 of the IKBKAP gene, results from a G to T substitution at nucleotide position 1039. The valine at codon 347 is replaced by leucine, an amino acid with highly similar properties. This amino acid position is conserved. In addition, this alteration is predicted to be tolerated by in silico analysis. Since supporting evidence is limited at this time, the clinical significance of this alteration remains unclear.

Natera, Inc.
Classification: Uncertain significance for Hereditary sensory and autonomic neuropathy type III. Last evaluated: 2020-01-17. Review status: no assertion criteria provided. Collection method: clinical testing. Allele origin: germline. Not counted in ClinVar's aggregate classification.

NM_003640.5(ELP1):c.1039G>T (p.Val347Leu)

Gene: ELP1 (elongator acetyltransferase complex subunit 1; minus strand). Cytogenetic location: 9q31.3.
Variant type: single nucleotide variant.
Coding change: c.1039G>T on transcript NM_003640.5 (MANE Select); coding-DNA position 1039, G replaced by T.
Protein change: p.Val347Leu; replaces valine 347 with leucine.
Molecular consequence: missense variant. On other transcripts: 5 prime UTR variant (1).
Genome position (GRCh38, 1-based): chr9:108,912,414, C>A on the plus strand (G>T on the coding strand, the complement: ELP1 is on the minus strand). VCF-style: chr9-108912414-C-A. GRCh37 (hg19) VCF-style: chr9-111674694-C-A.
Other names: c.1039G>T (NM_003640.4, LRG_251t1); c.697G>T, p.Val233Leu (NM_001318360.2); c.-9G>T (NM_001330749.2); short protein forms V347L, V233L.
Identifiers: ClinVar variation 526183 (VCV000526183.15), dbSNP rs748458910, ClinGen allele CA5175144.